The following is an entry in ClinVar:

NM_000892.5(KLKB1):c.806C>G (p.Ser269Cys)

Gene: KLKB1 (kallikrein B1; plus strand). Cytogenetic location: 4q35.2.
Variant type: single nucleotide variant.
Coding change: c.806C>G on transcript NM_000892.5 (MANE Select); coding-DNA position 806, C replaced by G.
Protein change: p.Ser269Cys; replaces serine 269 with cysteine.
Molecular consequence: missense variant.
Genome position (GRCh38, 1-based): chr4:186,251,266, C>G. VCF-style: chr4-186251266-C-G. GRCh37 (hg19) VCF-style: chr4-187172420-C-G.
Other names: c.692C>G, p.Ser231Cys (NM_001318394.2); c.200C>G, p.Ser67Cys (NM_001318396.2); c.806C>G (NM_000892.4); short protein forms S269C, S231C, S67C.
Identifiers: ClinVar variation 377355 (VCV000377355.6), dbSNP rs4253376, ClinGen allele CA3163206.

ClinVar aggregate classification (germline): Likely benign. Review status: criteria provided, multiple submitters, no conflicts (2 of 4 stars). 3 submissions from 3 submitters: Likely benign (2). 1 of the submissions does not count toward it. Last evaluated 2016-10-11.

Conditions:
KLKB1-related disorder. Also called: KLKB1-related condition.

Allele frequency attached by ClinVar (database versions not stated): gnomAD exomes 0.00068; ExAC 0.00091; ESP Exome Variant Server 0.00223; gnomAD 0.00247 and 0.00258; TOPMed 0.00271; 1000 Genomes Project 30x 0.00375; 1000 Genomes Project 0.00379.

Submissions (3):

Center for Pediatric Genomic Medicine, Children's Mercy Hospital and Clinics
Classification: Likely benign. Last evaluated: 2016-10-11. Review status: criteria provided, single submitter. Criteria: ACMG Guidelines, 2015. Collection method: clinical testing. Allele origin: germline.
ClinVar note: Converted during submission from Likely Benign to Likely benign.

Breakthrough Genomics
Classification: Likely benign. Review status: criteria provided, single submitter. Criteria: ACMG Guidelines, 2015. Collection method: not provided. Allele origin: germline. Inheritance: Autosomal recessive inheritance. Affected: yes.

PreventionGenetics, part of Exact Sciences
Classification: Benign for KLKB1-related condition. Last evaluated: 2019-07-15. Review status: no assertion criteria provided. Collection method: clinical testing. Allele origin: germline. Not counted in ClinVar's aggregate classification.
Comment: This variant is classified as benign based on ACMG/AMP sequence variant interpretation guidelines (Richards et al. 2015 PMID: 25741868, with internal and published modifications).